The following is an entry in ClinVar:

ClinVar aggregate classification (germline): Uncertain significance (1 of 4 stars; one submission).

Allele frequency attached by ClinVar (database versions not stated): ExAC 0.00016.
gnomAD v4.1: 7 of 1,574,252 alleles (0.00044%); highest among the groups gnomAD compares: South Asian, 0.0011%; no homozygotes.

Submission:

Labcorp Genetics (formerly Invitae), Labcorp
Classification: Uncertain significance. Last evaluated: 2022-08-28. Review status: criteria provided, single submitter. Criteria: Invitae Variant Classification Sherloc (09022015). Collection method: clinical testing. Allele origin: germline.
Comment: In summary, the available evidence is currently insufficient to determine the role of this variant in disease. Therefore, it has been classified as a Variant of Uncertain Significance. Advanced modeling of protein sequence and biophysical properties (such as structural, functional, and spatial information, amino acid conservation, physicochemical variation, residue mobility, and thermodynamic stability) performed at Invitae indicates that this missense variant is not expected to disrupt SLC12A2 protein function. This variant has not been reported in the literature in individuals affected with SLC12A2-related conditions. The frequency data for this variant in the population databases is considered unreliable, as metrics indicate poor data quality at this position in the gnomAD database. This sequence change replaces proline, which is neutral and non-polar, with serine, which is neutral and polar, at codon 128 of the SLC12A2 protein (p.Pro128Ser).

NM_001046.3(SLC12A2):c.382C>T (p.Pro128Ser)

Gene: SLC12A2 (solute carrier family 12 member 2; plus strand). Cytogenetic location: 5q23.3.
Variant type: single nucleotide variant.
Coding change: c.382C>T on transcript NM_001046.3 (MANE Select); coding-DNA position 382, C replaced by T.
Protein change: p.Pro128Ser; replaces proline 128 with serine.
Molecular consequence: missense variant. On other transcripts: non-coding transcript variant (1).
Genome position (GRCh38, 1-based): chr5:128,084,336, C>T. VCF-style: chr5-128084336-C-T. GRCh37 (hg19) VCF-style: chr5-127420028-C-T.
Other names: c.382C>T, p.Pro128Ser (NM_001256461.2); short protein forms P128S.
Identifiers: ClinVar variation 2077743 (VCV002077743.4), dbSNP rs750922559, ClinGen allele CA3392782.